The following is an entry in ClinVar:

NM_000458.4(HNF1B):c.*691A>G

Gene: HNF1B (HNF1 homeobox B; minus strand). Cytogenetic location: 17q12.
Variant type: single nucleotide variant.
Coding change: c.*691A>G on transcript NM_000458.4 (MANE Select); 691 bases downstream of the stop codon, A replaced by G.
Molecular consequence: 3 prime UTR variant.
Genome position (GRCh38, 1-based): chr17:37,686,681, T>C on the plus strand (A>G on the coding strand, the complement: HNF1B is on the minus strand). VCF-style: chr17-37686681-T-C. GRCh37 (hg19) VCF-style: chr17-36046684-T-C.
Other names: c.*691A>G (NM_001165923.4); c.*599A>G (NM_001304286.2).
Identifiers: ClinVar variation 322932 (VCV000322932.6), dbSNP rs751817675, ClinGen allele CA10645505.

ClinVar aggregate classification (germline): Conflicting classifications of pathogenicity. Review status: criteria provided, conflicting classifications (1 of 4 stars). 2 submissions from 2 submitters: Uncertain significance (1); Likely benign (1). Last evaluated 2018-01-13.

Conditions:
Maturity-onset diabetes of the young (MODY). Also called: Maturity onset diabetes mellitus in young. Identifiers: Orphanet 552, MedGen C0342276, MONDO:0018911, HP:0004904.
Renal cysts and diabetes syndrome (RCAD). Also called: Familial hypoplastic, glomerulocystic kidney; MATURITY-ONSET DIABETES OF THE YOUNG, TYPE 5. Identifiers: Orphanet 93111, MedGen C0431693, MONDO:0007669, OMIM 137920.

Allele frequency attached by ClinVar (database versions not stated): gnomAD exomes 0.00036; TOPMed 0.00058; gnomAD 0.00064.

Submissions (2):

Illumina Laboratory Services, Illumina
Classification: Uncertain significance for Renal cysts and diabetes syndrome. Last evaluated: 2018-01-13. Review status: criteria provided, single submitter. Criteria: ICSL Variant Classification Criteria 13 December 2019. Collection method: clinical testing. Allele origin: germline.

Clinical Genomics, Uppaluri K&H Personalized Medicine Clinic
Classification: Likely benign for Maturity-onset diabetes of the young. Review status: criteria provided, single submitter. Criteria: K & H Uppaluri Personalized Medicine Clinic Variant Classification & Assertion Criteria_Updated V.1. Collection method: research. Allele origin: unknown. Inheritance: Autosomal dominant inheritance.
Comment: HNF1B gene mutations are associated with early onset diabetes and pancreatic atrophy. It is also associated with multiple renal manifestations including renal cysts, Tubulointerstitial disease, glomerulocystic disease, renal hypoplasia, hypomagnesemia. However no sufficient evidence is found to ascertain the role of this particular variant rs751817675, yet.

Literature cited by the submitters: PubMed 24897035 (cited by Clinical Genomics, Uppaluri K&H Personalized Medicine Clinic); PubMed 25536396 (cited by Clinical Genomics, Uppaluri K&H Personalized Medicine Clinic); PubMed 27615128 (cited by Clinical Genomics, Uppaluri K&H Personalized Medicine Clinic); PubMed 28215227 (cited by Clinical Genomics, Uppaluri K&H Personalized Medicine Clinic); PubMed 33434175 (cited by Clinical Genomics, Uppaluri K&H Personalized Medicine Clinic); PubMed 25741167 (cited by Clinical Genomics, Uppaluri K&H Personalized Medicine Clinic); PubMed 26340261 (cited by Clinical Genomics, Uppaluri K&H Personalized Medicine Clinic); PubMed 19639018 (cited by Clinical Genomics, Uppaluri K&H Personalized Medicine Clinic).